The following is an entry in ClinVar:

NM_001903.5(CTNNA1):c.1069C>T (p.Arg357Cys)

Gene: CTNNA1 (catenin alpha 1; plus strand). Cytogenetic location: 5q31.2.
Variant type: single nucleotide variant.
Coding change: c.1069C>T on transcript NM_001903.5 (MANE Select); coding-DNA position 1069, C replaced by T.
Protein change: p.Arg357Cys; replaces arginine 357 with cysteine.
Molecular consequence: missense variant. On other transcripts: 5 prime UTR variant (26), intron variant (2).
Genome position (GRCh38, 1-based): chr5:138,886,218, C>T. VCF-style: chr5-138886218-C-T. GRCh37 (hg19) VCF-style: chr5-138221907-C-T.
Other names: c.1069C>T, p.Arg357Cys (NM_001290307.3, NM_001323982.2, NM_001323983.1 and 3 more transcripts); c.760C>T, p.Arg254Cys (NM_001290309.3); c.700C>T, p.Arg234Cys (NM_001290310.3); c.-42C>T (NM_001290312.1, NM_001323987.1, NM_001323988.1 and 18 more transcripts); c.-439C>T (NM_001324006.1, NM_001324007.1, NM_001324008.1 and 1 more transcripts); c.-314C>T (NM_001324013.1); c.-58+10621C>T (NM_001324012.1); c.-61+10621C>T (NM_001324010.1); short protein forms R234C, R254C, R357C.
Identifiers: ClinVar variation 822105 (VCV000822105.15), dbSNP rs758561244, ClinGen allele CA3431858.

ClinVar aggregate classification (germline): Conflicting classifications of pathogenicity. Review status: criteria provided, conflicting classifications (1 of 4 stars). 5 submissions from 5 submitters: Uncertain significance (4); Likely benign (1). Last evaluated 2026-02-17.

Conditions:
Patterned macular dystrophy 2. Identifiers: Orphanet 99001, MedGen C1837029, MONDO:0012162, OMIM 608970.
Hereditary cancer-predisposing syndrome. Also called: Hereditary neoplastic syndrome; Tumor predisposition; Hereditary Cancer Syndrome; Neoplastic Syndromes, Hereditary. Identifiers: Orphanet 140162, MedGen C0027672, MeSH D009386, MONDO:0015356.
Hereditary diffuse gastric adenocarcinoma (HDGC). Also called: DIFFUSE GASTRIC AND LOBULAR BREAST CANCER SYNDROME. Identifiers: Orphanet 26106, MedGen C1708349, MONDO:0007648, OMIM 137215.

Allele frequency attached by ClinVar (database versions not stated): gnomAD 0.00001; ExAC 0.00002; TOPMed 0.00002; gnomAD exomes 0.00001.
gnomAD v4.1: 20 of 1,609,314 alleles (0.0012%); highest among the groups gnomAD compares: East Asian, 0.0089%; no homozygotes.

Submissions (5):

Myriad Genetics, Inc.
Classification: Likely benign for Hereditary diffuse gastric adenocarcinoma. Last evaluated: 2026-02-17. Review status: criteria provided, single submitter. Criteria: Myriad Autosomal Dominant, Autosomal Recessive and X-Linked Classification Criteria (2023). Collection method: clinical testing. Allele origin: unknown.
Comment: This variant is considered likely benign. Homozygosity has been confirmed in one or more individuals. As homozygosity for pathogenic variants in this gene is generally assumed to result in embryonic lethality, this variant is unlikely to be pathogenic.

Labcorp Genetics (formerly Invitae), Labcorp
Classification: Uncertain significance. Last evaluated: 2026-01-01. Review status: criteria provided, single submitter. Criteria: Invitae Variant Classification Sherloc (09022015). Collection method: clinical testing. Allele origin: germline.
Comment: This sequence change replaces arginine, which is basic and polar, with cysteine, which is neutral and slightly polar, at codon 357 of the CTNNA1 protein (p.Arg357Cys). This variant is present in population databases (rs758561244, gnomAD 0.006%). This variant has not been reported in the literature in individuals affected with CTNNA1-related conditions. ClinVar contains an entry for this variant (Variation ID: 822105). Invitae Evidence Modeling of protein sequence and biophysical properties (such as structural, functional, and spatial information, amino acid conservation, physicochemical variation, residue mobility, and thermodynamic stability) indicates that this missense variant is not expected to disrupt CTNNA1 protein function with a negative predictive value of 80%. In summary, the available evidence is currently insufficient to determine the role of this variant in disease. Therefore, it has been classified as a Variant of Uncertain Significance.

Ambry Genetics
Classification: Uncertain significance for Hereditary cancer-predisposing syndrome. Last evaluated: 2024-06-28. Review status: criteria provided, single submitter. Criteria: Ambry Variant Classification Scheme 2023. Collection method: clinical testing. Allele origin: germline.
Comment: The p.R357C variant (also known as c.1069C>T), located in coding exon 7 of the CTNNA1 gene, results from a C to T substitution at nucleotide position 1069. The arginine at codon 357 is replaced by cysteine, an amino acid with highly dissimilar properties. This amino acid position is highly conserved in available vertebrate species. In addition, the in silico prediction for this alteration is inconclusive. The evidence for this gene-disease relationship is limited; therefore, the clinical significance of this alteration is unclear.

Baylor Genetics
Classification: Uncertain significance for Patterned macular dystrophy 2. Last evaluated: 2023-09-29. Review status: criteria provided, single submitter. Criteria: ACMG Guidelines, 2015. Collection method: clinical testing. Allele origin: unknown.

GeneDx
Classification: Uncertain significance. Last evaluated: 2022-12-08. Review status: criteria provided, single submitter. Criteria: GeneDx Variant Classification Process June 2021. Collection method: clinical testing. Allele origin: germline. Affected: yes.
Comment: In silico analysis supports that this missense variant has a deleterious effect on protein structure/function; Has not been previously published as pathogenic or benign to our knowledge; This variant is associated with the following publications: (PMID: 32579932, 32051609)